The following is an entry in ClinVar:

ClinVar aggregate classification (germline): Uncertain significance (1 of 4 stars; one submission).

Allele frequency attached by ClinVar (database versions not stated): gnomAD exomes below 0.00001.
gnomAD v4.1: 1 of 1,561,666 alleles (0.000064%); highest among the groups gnomAD compares: Non-Finnish European, 0.000087%; no homozygotes.

Submission:

Labcorp Genetics (formerly Invitae), Labcorp
Classification: Uncertain significance. Last evaluated: 2022-07-19. Review status: criteria provided, single submitter. Criteria: Invitae Variant Classification Sherloc (09022015). Collection method: clinical testing. Allele origin: germline.
Comment: In summary, the available evidence is currently insufficient to determine the role of this variant in disease. Therefore, it has been classified as a Variant of Uncertain Significance. Algorithms developed to predict the effect of missense changes on protein structure and function output the following: SIFT: "Tolerated"; PolyPhen-2: "Benign"; Align-GVGD: "Class C0". The arginine amino acid residue is found in multiple mammalian species, which suggests that this missense change does not adversely affect protein function. This variant has not been reported in the literature in individuals affected with TSEN54-related conditions. This variant is not present in population databases (gnomAD no frequency). This sequence change replaces histidine, which is basic and polar, with arginine, which is basic and polar, at codon 355 of the TSEN54 protein (p.His355Arg).

NM_207346.3(TSEN54):c.1064A>G (p.His355Arg)

Gene: TSEN54 (tRNA splicing endonuclease subunit 54; plus strand). Cytogenetic location: 17q25.1.
Variant type: single nucleotide variant.
Coding change: c.1064A>G on transcript NM_207346.3 (MANE Select); coding-DNA position 1064, A replaced by G.
Protein change: p.His355Arg; replaces histidine 355 with arginine.
Molecular consequence: missense variant.
Genome position (GRCh38, 1-based): chr17:75,522,145, A>G. VCF-style: chr17-75522145-A-G. GRCh37 (hg19) VCF-style: chr17-73518226-A-G.
Other names: short protein forms H355R.
Identifiers: ClinVar variation 2038308 (VCV002038308.4), dbSNP rs2546157243, ClinGen allele CA401029747.